The following is an entry in ClinVar:

NM_016123.4(IRAK4):c.406A>G (p.Thr136Ala)

Gene: IRAK4 (interleukin 1 receptor associated kinase 4; plus strand). Cytogenetic location: 12q12.
Variant type: single nucleotide variant.
Coding change: c.406A>G on transcript NM_016123.4 (MANE Select); coding-DNA position 406, A replaced by G.
Protein change: p.Thr136Ala; replaces threonine 136 with alanine.
Molecular consequence: missense variant. On other transcripts: 5 prime UTR variant (2).
Genome position (GRCh38, 1-based): chr12:43,772,278, A>G. VCF-style: chr12-43772278-A-G. GRCh37 (hg19) VCF-style: chr12-44166081-A-G.
Other names: c.406A>G, p.Thr136Ala (NM_001114182.3, NM_001351345.2); c.34A>G, p.Thr12Ala (NM_001145256.2, NM_001145257.2, NM_001145258.2 and 5 more transcripts); c.-118A>G (NM_001351343.2, NM_001351344.2); short protein forms T136A, T12A.
Identifiers: ClinVar variation 1498935 (VCV001498935.5), dbSNP rs769345767, ClinGen allele CA6522353.
Genomic context (GRCh38, chr12:43,772,278, plus strand): 5'-GAAGCTATAACAGTTCAGCAAAAACAGATGCCTTTCTGTGACAAAGACAGGACATTGATG[A>G]CACCTGTGCAGAATCTTGAACAAAGCTATATGCCACCTGACTCCTCAAGTCCAGAAAATA-3'
Protein context (NP_057207.2, residues 126-146): PFCDKDRTLM[Thr136Ala]PVQNLEQSYM

ClinVar aggregate classification (germline): Uncertain significance (1 of 4 stars; one submission).

Conditions:
Immunodeficiency 67. Also called: Immunodeficiency due to interleukin-1 receptor-associated kinase-4 deficiency. Identifiers: Orphanet 70592, MedGen C1843256, MONDO:0011888, OMIM 607676.

Allele frequency attached by ClinVar (database versions not stated): ExAC 0.00001; gnomAD exomes 0.00001.
gnomAD v4.1: 4 of 1,613,784 alleles (0.00025%); highest among the groups gnomAD compares: Non-Finnish European, 0.00017%; no homozygotes.

Submission:

Labcorp Genetics (formerly Invitae), Labcorp
Classification: Uncertain significance for Immunodeficiency 67. Last evaluated: 2022-01-28. Review status: criteria provided, single submitter. Criteria: Invitae Variant Classification Sherloc (09022015). Collection method: clinical testing. Allele origin: germline.
Comment: This sequence change replaces threonine, which is neutral and polar, with alanine, which is neutral and non-polar, at codon 136 of the IRAK4 protein (p.Thr136Ala). This variant is present in population databases (rs769345767, gnomAD 0.002%). This variant has not been reported in the literature in individuals affected with IRAK4-related conditions. Advanced modeling of protein sequence and biophysical properties (such as structural, functional, and spatial information, amino acid conservation, physicochemical variation, residue mobility, and thermodynamic stability) performed at Invitae indicates that this missense variant is not expected to disrupt IRAK4 protein function. In summary, the available evidence is currently insufficient to determine the role of this variant in disease. Therefore, it has been classified as a Variant of Uncertain Significance.